The following is an entry in ClinVar:

NM_022835.3(PLEKHG2):c.3223A>G (p.Ile1075Val)

Gene: PLEKHG2 (pleckstrin homology and RhoGEF domain containing G2; plus strand). Cytogenetic location: 19q13.2.
Variant type: single nucleotide variant.
Coding change: c.3223A>G on transcript NM_022835.3 (MANE Select); coding-DNA position 3223, A replaced by G.
Protein change: p.Ile1075Val; replaces isoleucine 1075 with valine.
Molecular consequence: missense variant. On other transcripts: intron variant (1).
Genome position (GRCh38, 1-based): chr19:39,424,356, A>G. VCF-style: chr19-39424356-A-G. GRCh37 (hg19) VCF-style: chr19-39914996-A-G.
Other names: c.3046A>G, p.Ile1016Val (NM_001351693.2); c.1678-882A>G (NM_001351694.2); c.3223A>G (NM_022835.2); short protein forms I1016V, I1075V.
Identifiers: ClinVar variation 1910593 (VCV001910593.4), dbSNP rs2078750129, ClinGen allele CA405804851.
Genomic context (GRCh38, chr19:39,424,356, plus strand): 5'-CTGACAAAGCAAGGAGGTTCCAGGGATGTTCAGGGCCCAGACCCTGTCTGCAGTCAACCC[A>G]TCCAGCCTTTGTCTTGGCATGGAAGCAGCCTGGATCCCCAGGGCCCAGGCGACACCCTAC-3'
Protein context (NP_073746.2, residues 1065-1085): QGPDPVCSQP[Ile1075Val]QPLSWHGSSL

ClinVar aggregate classification (germline): Uncertain significance. Review status: criteria provided, single submitter (1 of 4 stars). 2 submissions from 2 submitters: Uncertain significance (1). 1 of the submissions does not count toward it. Last evaluated 2022-11-29.

Conditions:
PLEKHG2-related disorder. Also called: PLEKHG2-related condition.

Allele frequency attached by ClinVar (database versions not stated): gnomAD exomes below 0.00001; gnomAD 0.00001; TOPMed 0.00001.
gnomAD v4.1: 2 of 1,613,958 alleles (0.00012%); highest among the groups gnomAD compares: Admixed American, 0.0033%; no homozygotes.

Submissions (2):

Labcorp Genetics (formerly Invitae), Labcorp
Classification: Uncertain significance. Last evaluated: 2022-11-29. Review status: criteria provided, single submitter. Criteria: Invitae Variant Classification Sherloc (09022015). Collection method: clinical testing. Allele origin: germline.
Comment: This variant is not present in population databases (gnomAD no frequency). This sequence change replaces isoleucine, which is neutral and non-polar, with valine, which is neutral and non-polar, at codon 1075 of the PLEKHG2 protein (p.Ile1075Val). This variant has not been reported in the literature in individuals affected with PLEKHG2-related conditions. In summary, the available evidence is currently insufficient to determine the role of this variant in disease. Therefore, it has been classified as a Variant of Uncertain Significance. Algorithms developed to predict the effect of missense changes on protein structure and function output the following: SIFT: "Tolerated"; PolyPhen-2: "Benign"; Align-GVGD: "Class C0". The valine amino acid residue is found in multiple mammalian species, which suggests that this missense change does not adversely affect protein function.

PreventionGenetics, part of Exact Sciences
Classification: Uncertain significance for PLEKHG2-related condition. Last evaluated: 2024-09-23. Review status: no assertion criteria provided. Collection method: clinical testing. Allele origin: germline. Not counted in ClinVar's aggregate classification.
Comment: The PLEKHG2 c.3223A>G variant is predicted to result in the amino acid substitution p.Ile1075Val. To our knowledge, this variant has not been reported in the literature or in a large population database, indicating this variant is rare. At this time, the clinical significance of this variant is uncertain due to the absence of conclusive functional and genetic evidence.